The following is an entry in ClinVar:

ClinVar aggregate classification (germline): Uncertain significance. Review status: criteria provided, multiple submitters, no conflicts (2 of 4 stars). 4 submissions from 4 submitters: Uncertain significance (4). Last evaluated 2026-06-15.

Conditions:
Cardiovascular phenotype. Identifiers: MedGen CN230736.
Hypertrophic cardiomyopathy 20. Identifiers: MedGen C3151267, MONDO:0013477, OMIM 613876.
Dilated cardiomyopathy 1CC (CMD1CC). Identifiers: Orphanet 154, MedGen C2751084, MONDO:0013147, OMIM 613122.
NEXN-related disorder. Also called: NEXN-related condition; NEXN-related disorders.

Allele frequency attached by ClinVar (database versions not stated): TOPMed below 0.00001; gnomAD 0.00001; gnomAD exomes 0.00001 and 0.00002; ExAC 0.00005.

Submissions (4):

PreventionGenetics, part of Exact Sciences
Classification: Uncertain significance for NEXN-related condition. Last evaluated: 2026-06-15. Review status: criteria provided, single submitter. Criteria: ACMG Guidelines, 2015. Collection method: clinical testing. Allele origin: germline.
Comment: The NEXN c.364G>C variant is predicted to result in the amino acid substitution p.Glu122Gln. To our knowledge, this variant has not been reported in the literature. This variant is reported in 0.0054% of alleles in individuals of European (Non-Finnish) descent in gnomAD. At this time, the clinical significance of this variant is uncertain due to the absence of conclusive functional and genetic evidence.

Ambry Genetics
Classification: Uncertain significance for Cardiovascular phenotype. Last evaluated: 2023-09-23. Review status: criteria provided, single submitter. Criteria: Ambry Variant Classification Scheme 2023. Collection method: clinical testing. Allele origin: germline.
Comment: The p.E122Q variant (also known as c.364G>C), located in coding exon 4 of the NEXN gene, results from a G to C substitution at nucleotide position 364. The glutamic acid at codon 122 is replaced by glutamine, an amino acid with highly similar properties. This amino acid position is conserved. In addition, the in silico prediction for this alteration is inconclusive. Since supporting evidence is limited at this time, the clinical significance of this alteration remains unclear.

Labcorp Genetics (formerly Invitae), Labcorp
Classification: Uncertain significance for Dilated cardiomyopathy 1CC; Hypertrophic cardiomyopathy 20. Last evaluated: 2022-03-31. Review status: criteria provided, single submitter. Criteria: Invitae Variant Classification Sherloc (09022015). Collection method: clinical testing. Allele origin: germline.
Comment: This sequence change replaces glutamic acid, which is acidic and polar, with glutamine, which is neutral and polar, at codon 122 of the NEXN protein (p.Glu122Gln). This variant is present in population databases (rs748518328, gnomAD 0.005%). This variant has not been reported in the literature in individuals affected with NEXN-related conditions. Algorithms developed to predict the effect of missense changes on protein structure and function are either unavailable or do not agree on the potential impact of this missense change (SIFT: "Tolerated"; PolyPhen-2: "Possibly Damaging"; Align-GVGD: "Class C0"). In summary, the available evidence is currently insufficient to determine the role of this variant in disease. Therefore, it has been classified as a Variant of Uncertain Significance.

Fulgent Genetics
Classification: Uncertain significance for Dilated cardiomyopathy 1CC; Hypertrophic cardiomyopathy 20. Last evaluated: 2021-10-12. Review status: criteria provided, single submitter. Criteria: ACMG Guidelines, 2015. Collection method: clinical testing. Allele origin: unknown.

NM_144573.4(NEXN):c.364G>C (p.Glu122Gln)

Genes: NEXN (nexilin F-actin binding protein; plus strand), LOC126805765 (BRD4-independent group 4 enhancer GRCh37_chr1:78383688-78384887; plus strand). Cytogenetic location: 1p31.1.
Variant type: single nucleotide variant.
Coding change: c.364G>C on transcript NM_144573.4 (MANE Select); coding-DNA position 364, G replaced by C.
Protein change: p.Glu122Gln; replaces glutamic acid 122 with glutamine.
Molecular consequence: missense variant.
Genome position (GRCh38, 1-based): chr1:77,918,190, G>C. VCF-style: chr1-77918190-G-C. GRCh37 (hg19) VCF-style: chr1-78383875-G-C.
Other names: c.172G>C, p.Glu58Gln (NM_001172309.2); c.364G>C (NM_144573.3); short protein forms E122Q, E58Q.
Identifiers: ClinVar variation 1351409 (VCV001351409.8), dbSNP rs748518328, ClinGen allele CA918625.